The following is an entry in ClinVar:

ClinVar aggregate classification (germline): Pathogenic (1 of 4 stars; one submission).

Submission:

Labcorp Genetics (formerly Invitae), Labcorp
Classification: Pathogenic. Last evaluated: 2025-04-01. Review status: criteria provided, single submitter. Criteria: Invitae Variant Classification Sherloc (09022015). Collection method: clinical testing. Allele origin: germline.
Comment: This sequence change creates a premature translational stop signal (p.Gly505Valfs*10) in the TRPM1 gene. It is expected to result in an absent or disrupted protein product. Loss-of-function variants in TRPM1 are known to be pathogenic (PMID: 19896113, 19966281, 20300565). This variant is not present in population databases (gnomAD no frequency). This variant has not been reported in the literature in individuals affected with TRPM1-related conditions. For these reasons, this variant has been classified as Pathogenic.

Literature cited by the submitters: PubMed 19896113; PubMed 19966281; PubMed 20300565.

NM_001252024.2(TRPM1):c.1580del (p.Gly527fs)

Gene: TRPM1 (transient receptor potential cation channel subfamily M member 1; minus strand). Cytogenetic location: 15q13.3.
Variant type: Deletion.
Coding change: c.1580del on transcript NM_001252024.2 (MANE Select); coding-DNA position 1580, one base deleted (G; older notation c.1580delG).
Protein change: p.Gly527fs; shifts the reading frame from glycine 527.
Molecular consequence: frameshift variant.
Genome position (GRCh38, 1-based): chr15:31,047,932, C deleted on the plus strand (G on the coding strand, the reverse complement: TRPM1 is on the minus strand); the first of 3 consecutive C bases (chr15:31,047,932-31,047,934); deleting any one gives the same sequence. VCF-style (leftmost placement, unchanged base first): chr15-31047931-AC-A. GRCh37 (hg19) VCF-style: chr15-31340134-AC-A.
Other names: c.1631del, p.Gly544fs (NM_001252020.2); c.1514del, p.Gly505fs (NM_002420.6); short protein forms G505fs, G544fs, G527fs.
Identifiers: ClinVar variation 4716534 (VCV004716534.1).